The following is an entry in ClinVar:

ClinVar aggregate classification (germline): Uncertain significance. Review status: criteria provided, multiple submitters, no conflicts (2 of 4 stars). 2 submissions from 2 submitters: Uncertain significance (2). Last evaluated 2024-05-16.

Allele frequency attached by ClinVar (database versions not stated): TOPMed below 0.00001; gnomAD exomes 0.00001; gnomAD 0.00003; ExAC 0.00004; 1000 Genomes Project 0.00020; 1000 Genomes Project 30x 0.00031.
gnomAD v4.1: 21 of 1,613,520 alleles (0.0013%); highest among the groups gnomAD compares: East Asian, 0.0089%; no homozygotes.

Submissions (2):

Labcorp Genetics (formerly Invitae), Labcorp
Classification: Uncertain significance. Last evaluated: 2024-05-16. Review status: criteria provided, single submitter. Criteria: Invitae Variant Classification Sherloc (09022015). Collection method: clinical testing. Allele origin: germline.
Comment: This sequence change replaces threonine, which is neutral and polar, with isoleucine, which is neutral and non-polar, at codon 113 of the SHPK protein (p.Thr113Ile). This variant is present in population databases (rs373708278, gnomAD 0.03%). This variant has not been reported in the literature in individuals affected with SHPK-related conditions. ClinVar contains an entry for this variant (Variation ID: 2192670). An algorithm developed to predict the effect of missense changes on protein structure and function (PolyPhen-2) suggests that this variant is likely to be tolerated. In summary, the available evidence is currently insufficient to determine the role of this variant in disease. Therefore, it has been classified as a Variant of Uncertain Significance.

Ambry Genetics
Classification: Uncertain significance. Last evaluated: 2024-01-16. Review status: criteria provided, single submitter. Criteria: Ambry Variant Classification Scheme 2023. Collection method: clinical testing. Allele origin: germline.

NM_013276.4(SHPK):c.338C>T (p.Thr113Ile)

Genes: SHPK (sedoheptulokinase; minus strand), LOC126862464 (MED14-independent group 3 enhancer GRCh37_chr17:3526895-3528094; plus strand). Cytogenetic location: 17p13.2.
Variant type: single nucleotide variant.
Coding change: c.338C>T on transcript NM_013276.4 (MANE Select); coding-DNA position 338, C replaced by T.
Protein change: p.Thr113Ile; replaces threonine 113 with isoleucine.
Molecular consequence: missense variant.
Genome position (GRCh38, 1-based): chr17:3,624,204, G>A on the plus strand (C>T on the coding strand, the complement: SHPK is on the minus strand). VCF-style: chr17-3624204-G-A. GRCh37 (hg19) VCF-style: chr17-3527498-G-A.
Other names: c.338C>T (NM_013276.2); short protein forms T113I.
Identifiers: ClinVar variation 2192670 (VCV002192670.5), dbSNP rs373708278, ClinGen allele CA8291361.
Genomic context (GRCh38, chr17:3,624,204, plus strand): 5'-CTACATCGGCCATCCTGCCACGTGACCAGGTGGCTAACAGCTCGGGGCTCGAACACCGGG[G>A]TAATCCCTCCCTCTGTCCATTCACAGCCTGGAACAAAAGAGATGACCAAAAATGAAGAAA-3'
Protein context (NP_037408.2, residues 103-123): QGCEWTEGGI[Thr113Ile]PVFEPRAVSH